The following is an entry in ClinVar:

NM_001875.5(CPS1):c.2440C>T (p.Arg814Trp)

Gene: CPS1 (carbamoyl-phosphate synthase 1; plus strand). Cytogenetic location: 2q34.
Variant type: single nucleotide variant.
Coding change: c.2440C>T on transcript NM_001875.5 (MANE Select); coding-DNA position 2440, C replaced by T.
Protein change: p.Arg814Trp; replaces arginine 814 with tryptophan.
Molecular consequence: missense variant. On other transcripts: non-coding transcript variant (2).
Genome position (GRCh38, 1-based): chr2:210,612,165, C>T. VCF-style: chr2-210612165-C-T. GRCh37 (hg19) VCF-style: chr2-211476889-C-T.
Other names: c.2440C>T (LRG_336t1); c.2440C>T, p.Arg814Trp (NM_001122633.3, NM_001369257.1); c.2473C>T, p.Arg825Trp (NM_001369256.1); short protein forms R814W, R825W.
Identifiers: ClinVar variation 556766 (VCV000556766.16), dbSNP rs772782772, ClinGen allele CA2086638.
Genomic context (GRCh38, chr2:210,612,165, plus strand): 5'-CATGTATTACAGGTCATGGCTATTGGTCGTACCTTTGAGGAGAGTTTCCAGAAAGCTTTA[C>T]GGATGTGCCACCCATCTATAGAAGGTTTCACTCCCCGTCTCCCAATGAACAAAGAATGGC-3'
Protein context (NP_001866.2, residues 804-824): TFEESFQKAL[Arg814Trp]MCHPSIEGFT

ClinVar aggregate classification (germline): Pathogenic/Likely pathogenic. Review status: criteria provided, multiple submitters, no conflicts (2 of 4 stars). 5 submissions from 5 submitters: Pathogenic (3); Likely pathogenic (1). 1 of the submissions does not count toward it. Last evaluated 2025-06-28.

Conditions:
Pulmonary hypertension, neonatal, susceptibility to (PHN). Identifiers: MedGen C3714958, MONDO:0014151, OMIM 615371.
Congenital hyperammonemia, type I. Also called: Carbamoyl-phosphate synthase I deficiency; CPS I DEFICIENCY; Carbamoyl phosphate synthetase I deficiency disease; Carbamoyl phosphate synthetase 1 deficiency; Hyperammonemia due to carbamoyl phosphate synthetase 1 deficiency; CPS 1 deficiency. Identifiers: Orphanet 147, MedGen C4082171, MONDO:0009376, OMIM 237300.

Allele frequency attached by ClinVar (database versions not stated): gnomAD exomes below 0.00001 and 0.00001; ExAC 0.00002.
gnomAD v4.1: 7 of 1,612,090 alleles (0.00043%); highest among the groups gnomAD compares: South Asian, 0.0011%; no homozygotes.

Submissions (5):

Immunogenetics and Transplant Biology Service, University Hospital "Città della Salute e della Scienza di Torino"
Classification: Pathogenic for Congenital hyperammonemia, type I. Last evaluated: 2025-06-28. Review status: criteria provided, single submitter. Criteria: ACMG Guidelines, 2015. Collection method: clinical testing. Allele origin: germline. Affected: yes.

Natera, Inc.
Classification: Likely pathogenic for Carbamoyl-phosphate synthase I deficiency. Last evaluated: 2025-02-25. Review status: criteria provided, single submitter. Criteria: Natera Variant Classification Schema (03/2026). Collection method: clinical testing. Allele origin: germline.
Comment: The c.2440C>T variant in CPS1 is a missense variant predicted to cause substitution of arginine to tryptophan at amino acid 814. This variant is rare in the general population with a frequency below the threshold expected for the associated phenotype(s). This variant has been observed in one or more individuals affected with the associated recessive disease, as either homozygous or compound heterozygous with a second variant (PMID: 22173106, 21120950, 28526534). Computational prediction algorithms indicate this variant is likely to affect gene or protein function. Given the available evidence, this variant is classified as Likely Pathogenic.

Labcorp Genetics (formerly Invitae), Labcorp
Classification: Pathogenic for Congenital hyperammonemia, type I. Last evaluated: 2023-08-10. Review status: criteria provided, single submitter. Criteria: Invitae Variant Classification Sherloc (09022015). Collection method: clinical testing. Allele origin: germline.
Comment: Advanced modeling of protein sequence and biophysical properties (such as structural, functional, and spatial information, amino acid conservation, physicochemical variation, residue mobility, and thermodynamic stability) performed at Invitae indicates that this missense variant is expected to disrupt CPS1 protein function. ClinVar contains an entry for this variant (Variation ID: 556766). This missense change has been observed in individuals with CPS1 deficiency (PMID: 21120950, 22173106, 28526534; Invitae). This variant is present in population databases (rs772782772, gnomAD 0.0009%). This sequence change replaces arginine, which is basic and polar, with tryptophan, which is neutral and slightly polar, at codon 814 of the CPS1 protein (p.Arg814Trp). For these reasons, this variant has been classified as Pathogenic.

Baylor Genetics
Classification: Pathogenic for Pulmonary hypertension, neonatal, susceptibility to. Last evaluated: 2023-05-16. Review status: criteria provided, single submitter. Criteria: ACMG Guidelines, 2015. Collection method: clinical testing. Allele origin: unknown.

Counsyl
Classification: Uncertain significance for Congenital hyperammonemia, type I. Last evaluated: 2018-03-06. Review status: no assertion criteria provided. Collection method: clinical testing. Allele origin: unknown. Not counted in ClinVar's aggregate classification.

Literature cited by the submitters: PubMed 22173106 (cited by 3 submitters); PubMed 21120950 (cited by 3 submitters); PubMed 28526534 (cited by Natera, Inc. and Labcorp Genetics (formerly Invitae), Labcorp).